The following is an entry in ClinVar:

ClinVar aggregate classification (germline): Uncertain significance (1 of 4 stars; one submission).

gnomAD v4.1: 1 of 1,614,154 alleles (0.000062%); highest among the groups gnomAD compares: Non-Finnish European, 0.000085%; no homozygotes.

Submission:

Dasa
Classification: Uncertain significance. Last evaluated: 2026-05-25. Review status: criteria provided, single submitter. Criteria: DASA Assertion Criteria. Collection method: clinical testing. Allele origin: germline.
Comment: NM_001197104.2(KMT2A):c.2726G>T (p.Gly909Val) is a missense variant that results in the substitution of glycine with valine. This variant is rare in population databases. The currently available literature and clinical evidence are not sufficient to establish a definitive association between this variant and the reported condition. Therefore, this variant is classified as a variant of uncertain significance.

NM_001197104.2(KMT2A):c.2726G>T (p.Gly909Val)

Gene: KMT2A (lysine methyltransferase 2A; plus strand). Cytogenetic location: 11q23.3.
Variant type: single nucleotide variant.
Coding change: c.2726G>T on transcript NM_001197104.2 (MANE Select); coding-DNA position 2726, G replaced by T.
Protein change: p.Gly909Val; replaces glycine 909 with valine.
Molecular consequence: missense variant.
Genome position (GRCh38, 1-based): chr11:118,473,885, G>T. VCF-style: chr11-118473885-G-T. GRCh37 (hg19) VCF-style: chr11-118344600-G-T.
Other names: c.2825G>T, p.Gly942Val (NM_001412597.1); c.2726G>T, p.Gly909Val (NM_005933.4); short protein forms G909V, G942V.
Identifiers: ClinVar variation 5020490 (VCV005020490.1).